The following is an entry in ClinVar:

ClinVar aggregate classification (germline): Uncertain significance (1 of 4 stars; one submission).

Submission:

Labcorp Genetics (formerly Invitae), Labcorp
Classification: Uncertain significance. Last evaluated: 2023-11-20. Review status: criteria provided, single submitter. Criteria: Invitae Variant Classification Sherloc (09022015). Collection method: clinical testing. Allele origin: germline.
Comment: This sequence change replaces proline, which is neutral and non-polar, with threonine, which is neutral and polar, at codon 1048 of the PRR12 protein (p.Pro1048Thr). This variant is not present in population databases (gnomAD no frequency). This variant has not been reported in the literature in individuals affected with PRR12-related conditions. An algorithm developed to predict the effect of missense changes on protein structure and function (PolyPhen-2) suggests that this variant is likely to be disruptive. In summary, the available evidence is currently insufficient to determine the role of this variant in disease. Therefore, it has been classified as a Variant of Uncertain Significance.

NM_020719.3(PRR12):c.3142C>A (p.Pro1048Thr)

Gene: PRR12 (proline rich 12; plus strand). Cytogenetic location: 19q13.33.
Variant type: single nucleotide variant.
Coding change: c.3142C>A on transcript NM_020719.3 (MANE Select); coding-DNA position 3142, C replaced by A.
Protein change: p.Pro1048Thr; replaces proline 1048 with threonine.
Molecular consequence: missense variant.
Genome position (GRCh38, 1-based): chr19:49,597,477, C>A. VCF-style: chr19-49597477-C-A. GRCh37 (hg19) VCF-style: chr19-50100734-C-A.
Other names: short protein forms P1048T.
Identifiers: ClinVar variation 2692607 (VCV002692607.3), dbSNP rs2514274543, ClinGen allele CA406878192.